The following is an entry in ClinVar:

ClinVar aggregate classification (germline): Likely pathogenic (1 of 4 stars; one submission).

Submission:

Labcorp Genetics (formerly Invitae), Labcorp
Classification: Likely pathogenic. Last evaluated: 2022-03-15. Review status: criteria provided, single submitter. Criteria: Invitae Variant Classification Sherloc (09022015). Collection method: clinical testing. Allele origin: germline.
Comment: In summary, the currently available evidence indicates that the variant is pathogenic, but additional data are needed to prove that conclusively. Therefore, this variant has been classified as Likely Pathogenic. This variant disrupts the p.Tyr540 amino acid residue in SLC12A3. Other variant(s) that disrupt this residue have been determined to be pathogenic (PMID: 21415153, 31672324). This suggests that this residue is clinically significant, and that variants that disrupt this residue are likely to be disease-causing. Advanced modeling of protein sequence and biophysical properties (such as structural, functional, and spatial information, amino acid conservation, physicochemical variation, residue mobility, and thermodynamic stability) performed at Invitae indicates that this missense variant is expected to disrupt SLC12A3 protein function. This variant has not been reported in the literature in individuals affected with SLC12A3-related conditions. This variant is not present in population databases (gnomAD no frequency). This sequence change replaces tyrosine, which is neutral and polar, with histidine, which is basic and polar, at codon 540 of the SLC12A3 protein (p.Tyr540His).

Literature cited by the submitters: PubMed 21415153; PubMed 31672324.

NM_001126108.2(SLC12A3):c.1618T>C (p.Tyr540His)

Gene: SLC12A3 (solute carrier family 12 member 3; plus strand). Cytogenetic location: 16q13.
Variant type: single nucleotide variant.
Coding change: c.1618T>C on transcript NM_001126108.2 (MANE Select); coding-DNA position 1618, T replaced by C.
Protein change: p.Tyr540His; replaces tyrosine 540 with histidine.
Molecular consequence: missense variant.
Genome position (GRCh38, 1-based): chr16:56,882,446, T>C. VCF-style: chr16-56882446-T-C. GRCh37 (hg19) VCF-style: chr16-56916358-T-C.
Other names: c.1618T>C, p.Tyr540His (NM_000339.3); c.1615T>C, p.Tyr539His (NM_001126107.2, NM_001410896.1); short protein forms Y539H, Y540H.
Identifiers: ClinVar variation 2112745 (VCV002112745.4), dbSNP rs2543511787, ClinGen allele CA395989072.